The following is an entry in ClinVar:

ClinVar aggregate classification (germline): Conflicting classifications of pathogenicity. Review status: criteria provided, conflicting classifications (1 of 4 stars). 2 submissions from 2 submitters: Uncertain significance (1); Likely benign (1). Last evaluated 2026-07-02.

Conditions:
Saldino-Mainzer syndrome (SRTD9). Also called: short-rib thoracic dysplasia 9 with or without polydactyly; SHORT-RIB THORACIC DYSPLASIA 9 WITHOUT POLYDACTYLY; Renal dysplasia, retinal pigmentary dystrophy, cerebellar ataxia and skeletal dysplasia; CONORENAL SYNDROME. Identifiers: Orphanet 140969, MedGen C1849437, MONDO:0009964, OMIM 266920.
IFT140-related disorder. Also called: IFT140-related condition.

Allele frequency attached by ClinVar (database versions not stated): gnomAD exomes below 0.00001 and 0.00002; gnomAD 0.00001; TOPMed 0.00002.
gnomAD v4.1: 37 of 1,611,944 alleles (0.0023%); highest among the groups gnomAD compares: Non-Finnish European, 0.0031%; no homozygotes.

Submissions (2):

PreventionGenetics, part of Exact Sciences
Classification: Likely benign for IFT140-related condition. Last evaluated: 2026-07-02. Review status: criteria provided, single submitter. Criteria: ACMG Guidelines, 2015. Collection method: clinical testing. Allele origin: germline.
Comment: This variant is classified as likely benign based on ACMG/AMP sequence variant interpretation guidelines (Richards et al. 2015 PMID: 25741868, with internal and published modifications).

Illumina Laboratory Services, Illumina
Classification: Uncertain significance for Saldino-Mainzer syndrome. Last evaluated: 2018-01-13. Review status: criteria provided, single submitter. Criteria: ICSL Variant Classification Criteria 13 December 2019. Collection method: clinical testing. Allele origin: germline.

NM_014714.4(IFT140):c.-6T>A

Genes: IFT140 (intraflagellar transport 140; minus strand), LOC105371046 (uncharacterized LOC105371046; plus strand). Cytogenetic location: 16p13.3.
Variant type: single nucleotide variant.
Coding change: c.-6T>A on transcript NM_014714.4 (MANE Select); 6 bases upstream of the start codon, T replaced by A.
Molecular consequence: 5 prime UTR variant.
Genome position (GRCh38, 1-based): chr16:1,607,272, A>T on the plus strand (T>A on the coding strand, the complement: IFT140 is on the minus strand). VCF-style: chr16-1607272-A-T. GRCh37 (hg19) VCF-style: chr16-1657273-A-T.
Identifiers: ClinVar variation 318222 (VCV000318222.6), dbSNP rs886051771, ClinGen allele CA10647114.